The following is an entry in ClinVar:

NM_000474.4(TWIST1):c.110G>A (p.Arg37His)

Gene: TWIST1 (twist family bHLH transcription factor 1; minus strand). Cytogenetic location: 7p21.1.
Variant type: single nucleotide variant.
Coding change: c.110G>A on transcript NM_000474.4 (MANE Select); coding-DNA position 110, G replaced by A.
Protein change: p.Arg37His; replaces arginine 37 with histidine.
Molecular consequence: missense variant. On other transcripts: non-coding transcript variant (1).
Genome position (GRCh38, 1-based): chr7:19,117,212, C>T on the plus strand (G>A on the coding strand, the complement: TWIST1 is on the minus strand). VCF-style: chr7-19117212-C-T. GRCh37 (hg19) VCF-style: chr7-19156835-C-T.
Other names: short protein forms R37H.
Identifiers: ClinVar variation 1714534 (VCV001714534.5), dbSNP rs541418085, ClinGen allele CA367016122.

ClinVar aggregate classification (germline): Uncertain significance (1 of 4 stars; one submission).

Conditions:
TWIST1-related craniosynostosis (CRS1). Also called: CRANIOSYNOSTOSIS 1. Identifiers: Orphanet 63440, MedGen C4551902, MONDO:0007399, OMIM 123100. Inheritance: Heterogenous inheritance pattern.
Saethre-Chotzen syndrome (SCS). Also called: CHOTZEN SYNDROME; ACROCEPHALY, SKULL ASYMMETRY, AND MILD SYNDACTYLY; ACS III. Identifiers: Orphanet 794, MedGen C0175699, MONDO:0007042, OMIM 101400.

Submission:

Labcorp Genetics (formerly Invitae), Labcorp
Classification: Uncertain significance for TWIST1-related craniosynostosis; Saethre-Chotzen syndrome. Last evaluated: 2022-07-30. Review status: criteria provided, single submitter. Criteria: Invitae Variant Classification Sherloc (09022015). Collection method: clinical testing. Allele origin: germline.
Comment: In summary, the available evidence is currently insufficient to determine the role of this variant in disease. Therefore, it has been classified as a Variant of Uncertain Significance. Algorithms developed to predict the effect of missense changes on protein structure and function are either unavailable or do not agree on the potential impact of this missense change (SIFT: "Deleterious"; PolyPhen-2: "Not Available"; Align-GVGD: "Class C0"). This variant has not been reported in the literature in individuals affected with TWIST1-related conditions. This variant is not present in population databases (gnomAD no frequency). This sequence change replaces arginine, which is basic and polar, with histidine, which is basic and polar, at codon 37 of the TWIST1 protein (p.Arg37His).